The following is an entry in ClinVar:

ClinVar aggregate classification (germline): Conflicting classifications of pathogenicity. Review status: criteria provided, conflicting classifications (1 of 4 stars). 2 submissions from 2 submitters: Uncertain significance (1); Benign (1). Last evaluated 2022-06-01.

Allele frequency attached by ClinVar (database versions not stated): 1000 Genomes Project 30x 0.00250; TOPMed 0.00146; gnomAD 0.00151 and 0.00115; 1000 Genomes Project 0.00280.
gnomAD v4.1: 2,434 of 1,184,284 alleles (0.21%); highest among the groups gnomAD compares: Middle Eastern, 1.7%; 23 homozygotes.

Submissions (2):

CeGaT Center for Human Genetics Tuebingen
Classification: Benign. Last evaluated: 2022-06-01. Review status: criteria provided, single submitter. Criteria: CeGaT Center For Human Genetics Tuebingen Variant Classification Criteria Version 2. Collection method: clinical testing. Allele origin: germline. Affected: yes. Observed: 1 variant allele.
Comment: C1QTNF5: BS1, BS2

Breakthrough Genomics
Classification: Uncertain significance. Review status: criteria provided, single submitter. Criteria: ACMG Guidelines, 2015. Collection method: not provided. Allele origin: germline. Inheritance: Autosomal recessive inheritance. Affected: yes.

NM_015645.5(C1QTNF5):c.-2744G>A

Genes: C1QTNF5 (C1q and TNF related 5; minus strand), MFRP (membrane frizzled-related protein; minus strand). Cytogenetic location: 11q23.3.
Variant type: single nucleotide variant.
Coding change: c.-2744G>A on transcript NM_015645.5; 2744 bases upstream of the start codon, G replaced by A.
Molecular consequence: 5 prime UTR variant.
Genome position (GRCh38, 1-based): chr11:119,346,621, C>T on the plus strand (G>A on the coding strand, the complement: C1QTNF5 is on the minus strand). VCF-style: chr11-119346621-C-T. GRCh37 (hg19) VCF-style: chr11-119217331-C-T.
Other names: c.-108G>A (NM_031433.4).
Identifiers: ClinVar variation 302988 (VCV000302988.30), dbSNP rs143241967, ClinGen allele CA10637511.